The following is an entry in ClinVar:

NM_145290.4(ADGRA3):c.1759C>T (p.Leu587=)

Gene: ADGRA3 (adhesion G protein-coupled receptor A3; minus strand). Cytogenetic location: 4p15.2.
Variant type: single nucleotide variant.
Coding change: c.1759C>T on transcript NM_145290.4 (MANE Select); coding-DNA position 1759, C replaced by T.
Protein change: p.Leu587=; no amino-acid change (leucine 587 retained).
Molecular consequence: synonymous variant.
Genome position (GRCh38, 1-based): chr4:22,420,936, G>A on the plus strand (C>T on the coding strand, the complement: ADGRA3 is on the minus strand). VCF-style: chr4-22420936-G-A. GRCh37 (hg19) VCF-style: chr4-22422559-G-A.
Other names: c.1759C>T (NM_145290.3).
Identifiers: ClinVar variation 1155774 (VCV001155774.11), dbSNP rs753376586, ClinGen allele CA2873854.
Genomic context (GRCh38, chr4:22,420,936, plus strand): 5'-TGTAACATACCTTTAGTGCCAGACTCGAAAATGTATTTGAAACATTGCACTTAAAGCTCA[G>A]CTGCTTATCCAGGTTTCCCTCTGGATCCCGCCTCCCATAATCCGAAAGTCCTGTACGATC-3'
Protein context (NP_660333.2, residues 577-597): RDPEGNLDKQ[Leu587=]SFKCNVSNTF

ClinVar aggregate classification (germline): Likely benign. Review status: criteria provided, single submitter (1 of 4 stars). 2 submissions from 2 submitters: Likely benign (1). 1 of the submissions does not count toward it. Last evaluated 2026-01-21.

Conditions:
ADGRA3-related disorder. Also called: ADGRA3-related condition.

Allele frequency attached by ClinVar (database versions not stated): ExAC 0.00002; gnomAD exomes 0.00003 and 0.00007; gnomAD 0.00004; TOPMed 0.00005.
gnomAD v4.1: 108 of 1,613,938 alleles (0.0067%); highest among the groups gnomAD compares: Non-Finnish European, 0.0086%; no homozygotes.

Submissions (2):

Labcorp Genetics (formerly Invitae), Labcorp
Classification: Likely benign. Last evaluated: 2026-01-21. Review status: criteria provided, single submitter. Criteria: Invitae Variant Classification Sherloc (09022015). Collection method: clinical testing. Allele origin: germline.

PreventionGenetics, part of Exact Sciences
Classification: Likely benign for ADGRA3-related condition. Last evaluated: 2019-07-24. Review status: no assertion criteria provided. Collection method: clinical testing. Allele origin: germline. Not counted in ClinVar's aggregate classification.
Comment: This variant is classified as likely benign based on ACMG/AMP sequence variant interpretation guidelines (Richards et al. 2015 PMID: 25741868, with internal and published modifications).